The following is an entry in ClinVar:

ClinVar aggregate classification (germline): Uncertain significance (1 of 4 stars; one submission).

Conditions:
Autosomal dominant epilepsy with auditory features. Identifiers: Orphanet 101046, MedGen C1838062, MONDO:0010898.

Submission:

Labcorp Genetics (formerly Invitae), Labcorp
Classification: Uncertain significance for Autosomal dominant epilepsy with auditory features. Last evaluated: 2023-11-20. Review status: criteria provided, single submitter. Criteria: Invitae Variant Classification Sherloc (09022015). Collection method: clinical testing. Allele origin: germline.
Comment: This sequence change replaces aspartic acid, which is acidic and polar, with asparagine, which is neutral and polar, at codon 220 of the LGI1 protein (p.Asp220Asn). This variant is not present in population databases (gnomAD no frequency). This variant has not been reported in the literature in individuals affected with LGI1-related conditions. ClinVar contains an entry for this variant (Variation ID: 939325). Experimental studies and prediction algorithms are not available or were not evaluated, and the functional significance of this variant is currently unknown. In summary, the available evidence is currently insufficient to determine the role of this variant in disease. Therefore, it has been classified as a Variant of Uncertain Significance.

NM_005097.4(LGI1):c.657_658inv (p.Asp220Asn)

Gene: LGI1 (leucine rich glioma inactivated 1; plus strand). Cytogenetic location: 10q23.33.
Variant type: Inversion.
Coding change: c.657_658inv on transcript NM_005097.4 (MANE Select).
Protein change: p.Asp220Asn; replaces aspartic acid 220 with asparagine.
Molecular consequence: missense variant. On other transcripts: non-coding transcript variant (1).
Genome position: GRCh38 VCF-style: chr10-93792896-TG-CA. GRCh37 (hg19) VCF-style: chr10-95552653-TG-CA.
Other names: c.657_658inv, p.Asp220Asn (NM_001308275.2); c.513_514inv, p.Asp172Asn (NM_001308276.2); short protein forms D172N, D220N.
Identifiers: ClinVar variation 1353456 (VCV001353456.4), ClinGen allele CA2573145860.